The following is an entry in ClinVar:

NM_016213.5(TRIP4):c.571G>A (p.Val191Ile)

Gene: TRIP4 (thyroid hormone receptor interactor 4; plus strand). Cytogenetic location: 15q22.31.
Variant type: single nucleotide variant.
Coding change: c.571G>A on transcript NM_016213.5 (MANE Select); coding-DNA position 571, G replaced by A.
Protein change: p.Val191Ile; replaces valine 191 with isoleucine.
Molecular consequence: missense variant. On other transcripts: 5 prime UTR variant (1), non-coding transcript variant (1).
Genome position (GRCh38, 1-based): chr15:64,397,771, G>A. VCF-style: chr15-64397771-G-A. GRCh37 (hg19) VCF-style: chr15-64689970-G-A.
Other names: c.-120G>A (NM_001321924.2); short protein forms V191I.
Identifiers: ClinVar variation 1720622 (VCV001720622.5), dbSNP rs767252491, ClinGen allele CA7609401.

ClinVar aggregate classification (germline): Uncertain significance (1 of 4 stars; one submission).

Allele frequency attached by ClinVar (database versions not stated): gnomAD exomes below 0.00001; ExAC 0.00001.

Submission:

Labcorp Genetics (formerly Invitae), Labcorp
Classification: Uncertain significance. Last evaluated: 2023-03-26. Review status: criteria provided, single submitter. Criteria: Invitae Variant Classification Sherloc (09022015). Collection method: clinical testing. Allele origin: germline.
Comment: This sequence change replaces valine, which is neutral and non-polar, with isoleucine, which is neutral and non-polar, at codon 191 of the TRIP4 protein (p.Val191Ile). This variant is present in population databases (rs767252491, gnomAD 0.006%). In summary, the available evidence is currently insufficient to determine the role of this variant in disease. Therefore, it has been classified as a Variant of Uncertain Significance. Advanced modeling of protein sequence and biophysical properties (such as structural, functional, and spatial information, amino acid conservation, physicochemical variation, residue mobility, and thermodynamic stability) performed at Invitae indicates that this missense variant is not expected to disrupt TRIP4 protein function. ClinVar contains an entry for this variant (Variation ID: 1720622). This variant has not been reported in the literature in individuals affected with TRIP4-related conditions.